The following is an entry in ClinVar:

ClinVar aggregate classification (germline): Pathogenic (1 of 4 stars; one submission).

Submission:

Illumina Laboratory Services, Illumina
Classification: Pathogenic. Last evaluated: 2023-07-27. Review status: criteria provided, single submitter. Criteria: ICSLVariantClassificationCriteria RUGD 01 April 2020. Collection method: clinical testing. Allele origin: unknown.
Comment: This CNV is a 4.2 kb deletion of the mitochondrial DNA from m.10775 - 14941del detected at a heteroplasmic fraction of 77-80% in blood. This deletion encompasses the following genes - MT-ND4, MT-TH, MT-TS2, MT-TL2, MT-ND5, MT-ND6, MT-TE and MT-CYB. For three of these genes, MT-ND4, MT-ND5 and MT-ND6, loss of function is implicated as the mechanism of disease. Similar deletions have been observed in several patients in the literature (Rotig et al. 1990; Larsson and Holme 1992; Chinault et al. 2009; Khasawneh et al. 2018; Rocha et al. 2018). Based on the available evidence, this variant is classified as pathogenic for primary mitochondrial disease.

Single allele

Genes: MT-TL2 (mitochondrially encoded tRNA leucine 2 (CUN); plus strand), MT-TS2 (mitochondrially encoded tRNA serine 2 (AGU/C); plus strand), MT-CYB (mitochondrially encoded cytochrome b; plus strand), MT-ND4 (mitochondrially encoded NADH dehydrogenase 4; plus strand), MT-ND5 (mitochondrially encoded NADH dehydrogenase 5; plus strand) and 3 more.
Variant type: Deletion.
Identifiers: ClinVar variation 3062020 (VCV003062020.1), ClinGen allele CA2740090229.